The following is an entry in ClinVar:

ClinVar aggregate classification (germline): Uncertain significance (1 of 4 stars; one submission).

Submission:

Labcorp Genetics (formerly Invitae), Labcorp
Classification: Uncertain significance. Last evaluated: 2026-01-12. Review status: criteria provided, single submitter. Criteria: Invitae Variant Classification Sherloc (09022015). Collection method: clinical testing. Allele origin: germline.
Comment: This sequence change replaces glycine, which is neutral and non-polar, with aspartic acid, which is acidic and polar, at codon 259 of the SEPT9 protein (p.Gly259Asp). This variant is not present in population databases (gnomAD no frequency). This variant has not been reported in the literature in individuals affected with SEPT9-related conditions. Invitae Evidence Modeling of protein sequence and biophysical properties (such as structural, functional, and spatial information, amino acid conservation, physicochemical variation, residue mobility, and thermodynamic stability) indicates that this missense variant is not expected to disrupt SEPT9 protein function with a negative predictive value of 80%. In summary, the available evidence is currently insufficient to determine the role of this variant in disease. Therefore, it has been classified as a Variant of Uncertain Significance.

NM_001113491.2(SEPTIN9):c.830G>A (p.Gly277Asp)

Gene: SEPTIN9 (septin 9; plus strand). Cytogenetic location: 17q25.3.
Variant type: single nucleotide variant.
Coding change: c.830G>A on transcript NM_001113491.2 (MANE Select); coding-DNA position 830, G replaced by A.
Protein change: p.Gly277Asp; replaces glycine 277 with aspartic acid.
Molecular consequence: missense variant.
Genome position (GRCh38, 1-based): chr17:77,482,252, G>A. VCF-style: chr17-77482252-G-A. GRCh37 (hg19) VCF-style: chr17-75478334-G-A.
Other names: c.338G>A, p.Gly113Asp (NM_001113492.2, NM_001113494.1); c.809G>A, p.Gly270Asp (NM_001113493.2); c.77G>A, p.Gly26Asp (NM_001113495.2, NM_001113496.2, NM_001293697.2 and 1 more transcripts); c.773G>A, p.Gly258Asp (NM_001293695.2); c.158G>A, p.Gly53Asp (NM_001293696.2); c.776G>A, p.Gly259Asp (NM_006640.5); short protein forms G113D, G259D, G270D, G53D, G258D, G26D, G277D.
Identifiers: ClinVar variation 4744296 (VCV004744296.1).
Genomic context (GRCh38, chr17:77,482,252, plus strand): 5'-GAGATGCCGGGCTCAAGCAGGCGCCTGCATCACGGAACGAGAAGGCCCCGGTGGACTTCG[G>A]CTACGTGGGGATTGACTCCATCCTGGAGCAGATGCGCCGGAAGGCCATGAAGCAGGGCTT-3'
Protein context (NP_001106963.1, residues 267-287): SRNEKAPVDF[Gly277Asp]YVGIDSILEQ